The following is an entry in ClinVar:

ClinVar aggregate classification (germline): Likely benign. Review status: criteria provided, multiple submitters, no conflicts (2 of 4 stars). 2 submissions from 2 submitters: Likely benign (2). Last evaluated 2022-10-01.

Allele frequency attached by ClinVar (database versions not stated): gnomAD exomes 0.00001; gnomAD 0.00002; TOPMed 0.00003; ExAC 0.00004.
gnomAD v4.1: 22 of 1,601,458 alleles (0.0014%); highest among the groups gnomAD compares: African/African-American, 0.0027%; no homozygotes.

Submissions (2):

CeGaT Center for Human Genetics Tuebingen
Classification: Likely benign. Last evaluated: 2022-10-01. Review status: criteria provided, single submitter. Criteria: CeGaT Center For Human Genetics Tuebingen Variant Classification Criteria Version 2. Collection method: clinical testing. Allele origin: germline. Affected: yes. Observed: 1 variant allele.
Comment: HSPG2: BP4, BP7

Labcorp Genetics (formerly Invitae), Labcorp
Classification: Likely benign. Last evaluated: 2022-03-11. Review status: criteria provided, single submitter. Criteria: Invitae Variant Classification Sherloc (09022015). Collection method: clinical testing. Allele origin: germline.

NM_005529.7(HSPG2):c.1920C>T (p.Ala640=)

Gene: HSPG2 (heparan sulfate proteoglycan 2; minus strand). Cytogenetic location: 1p36.12.
Variant type: single nucleotide variant.
Coding change: c.1920C>T on transcript NM_005529.7 (MANE Select); coding-DNA position 1920, C replaced by T.
Protein change: p.Ala640=; no amino-acid change (alanine 640 retained).
Molecular consequence: synonymous variant.
Genome position (GRCh38, 1-based): chr1:21,880,734, G>A on the plus strand (C>T on the coding strand, the complement: HSPG2 is on the minus strand). VCF-style: chr1-21880734-G-A. GRCh37 (hg19) VCF-style: chr1-22207227-G-A.
Other names: c.1923C>T, p.Ala641= (NM_001291860.2).
Identifiers: ClinVar variation 2183120 (VCV002183120.28), dbSNP rs771072351, ClinGen allele CA673243.
Genomic context (GRCh38, chr1:21,880,734, plus strand): 5'-GCGCTGGTTCAGAGCACCAGGTTGGGTGGGTGTGTGGCCTCGGGAGAGGAGGCGGTACCC[G>A]GCACCCATGAGGACCACGTCCGGCCGCTGCACTGGCTCCAGCATGCCACGGGCCAACTCG-3'
Protein context (NP_005520.4, residues 630-650): VQRPDVVLMG[Ala640=]GYRLLSRGHT